The following is an entry in ClinVar:

NM_052947.4(ALPK2):c.4314C>A (p.Asp1438Glu)

Genes: ALPK2 (alpha kinase 2; minus strand), LOC126862764 (BRD4-independent group 4 enhancer GRCh37_chr18:56202574-56203773; plus strand). Cytogenetic location: 18q21.31.
Variant type: single nucleotide variant.
Coding change: c.4314C>A on transcript NM_052947.4 (MANE Select); coding-DNA position 4314, C replaced by A.
Protein change: p.Asp1438Glu; replaces aspartic acid 1438 with glutamic acid.
Molecular consequence: missense variant.
Genome position (GRCh38, 1-based): chr18:58,535,873, G>T on the plus strand (C>A on the coding strand, the complement: ALPK2 is on the minus strand). VCF-style: chr18-58535873-G-T. GRCh37 (hg19) VCF-style: chr18-56203105-G-T.
Other names: short protein forms D1438E.
Identifiers: ClinVar variation 2449206 (VCV002449206.2), dbSNP rs543350348, ClinGen allele CA402563224.
Genomic context (GRCh38, chr18:58,535,873, plus strand): 5'-CTGGAGACATGGAACTTGCAAAATGGCCGGCTGGATTTCCGCTTCGTGGCCCATGTTTCC[G>T]TCATTTGATTGACCCCCTTCTCTGGCGCCCTGTGGTGTGGTTTCAGAGGGCTCTGGTTTT-3'
Protein context (NP_443179.3, residues 1428-1448): QGAREGGQSN[Asp1438Glu]GNMGHEAEIQ

ClinVar aggregate classification (germline): Uncertain significance (1 of 4 stars; one submission).

Submission:

Ambry Genetics
Classification: Uncertain significance. Last evaluated: 2022-11-23. Review status: criteria provided, single submitter. Criteria: Ambry Variant Classification Scheme 2023. Collection method: clinical testing. Allele origin: germline.
Comment: The p.D1438E variant (also known as c.4314C>A), located in coding exon 4 of the ALPK2 gene, results from a C to A substitution at nucleotide position 4314. The aspartic acid at codon 1438 is replaced by glutamic acid, an amino acid with highly similar properties. This amino acid position is conserved. In addition, this alteration is predicted to be tolerated by in silico analysis. Since supporting evidence is limited at this time, the clinical significance of this alteration remains unclear.